The following is an entry in ClinVar:

ClinVar aggregate classification (germline): Uncertain significance (1 of 4 stars; one submission).

gnomAD v4.1: 2 of 1,421,200 alleles (0.00014%); highest among the groups gnomAD compares: Non-Finnish European, 0.000092%; no homozygotes.

Submission:

GeneDx
Classification: Uncertain significance. Last evaluated: 2022-12-02. Review status: criteria provided, single submitter. Criteria: GeneDx Variant Classification Process June 2021. Collection method: clinical testing. Allele origin: germline. Affected: yes.
Comment: Not observed at significant frequency in large population cohorts (gnomAD); In silico analysis supports that this missense variant has a deleterious effect on protein structure/function; Has not been previously published as pathogenic or benign to our knowledge

NM_015465.5(GEMIN5):c.32C>T (p.Ser11Phe)

Gene: GEMIN5 (gem nuclear organelle associated protein 5; minus strand). Cytogenetic location: 5q33.2.
Variant type: single nucleotide variant.
Coding change: c.32C>T on transcript NM_015465.5 (MANE Select); coding-DNA position 32, C replaced by T.
Protein change: p.Ser11Phe; replaces serine 11 with phenylalanine.
Molecular consequence: missense variant.
Genome position (GRCh38, 1-based): chr5:154,938,102, G>A on the plus strand (C>T on the coding strand, the complement: GEMIN5 is on the minus strand). VCF-style: chr5-154938102-G-A. GRCh37 (hg19) VCF-style: chr5-154317662-G-A.
Other names: c.32C>T, p.Ser11Phe (NM_001252156.2); short protein forms S11F.
Identifiers: ClinVar variation 2504308 (VCV002504308.1), dbSNP rs2481123211, ClinGen allele CA361934749.